The following is an entry in ClinVar:

ClinVar aggregate classification (germline): Uncertain significance (1 of 4 stars; one submission).

Allele frequency attached by ClinVar (database versions not stated): gnomAD exomes below 0.00001; TOPMed below 0.00001; gnomAD 0.00001.
gnomAD v4.1: 4 of 1,491,364 alleles (0.00027%); highest among the groups gnomAD compares: Non-Finnish European, 0.00036%; no homozygotes.

Submission:

Ambry Genetics
Classification: Uncertain significance. Last evaluated: 2023-02-10. Review status: criteria provided, single submitter. Criteria: Ambry Variant Classification Scheme 2023. Collection method: clinical testing. Allele origin: germline.
Comment: The p.H72Q variant (also known as c.216C>A), located in coding exon 1 of the EGLN1 gene, results from a C to A substitution at nucleotide position 216. The histidine at codon 72 is replaced by glutamine, an amino acid with highly similar properties. This amino acid position is conserved. In addition, this alteration is predicted to be tolerated by in silico analysis. Since supporting evidence is limited at this time, the clinical significance of this alteration remains unclear.

NM_022051.3(EGLN1):c.216C>A (p.His72Gln)

Gene: EGLN1 (egl-9 family hypoxia inducible factor 1; minus strand). Cytogenetic location: 1q42.2.
Variant type: single nucleotide variant.
Coding change: c.216C>A on transcript NM_022051.3 (MANE Select); coding-DNA position 216, C replaced by A.
Protein change: p.His72Gln; replaces histidine 72 with glutamine.
Molecular consequence: missense variant.
Genome position (GRCh38, 1-based): chr1:231,421,673, G>T on the plus strand (C>A on the coding strand, the complement: EGLN1 is on the minus strand). VCF-style: chr1-231421673-G-T. GRCh37 (hg19) VCF-style: chr1-231557419-G-T.
Other names: c.216C>A, p.His72Gln (NM_001377260.1, NM_001377261.1); short protein forms H72Q.
Identifiers: ClinVar variation 2497586 (VCV002497586.2), dbSNP rs1163549348, ClinGen allele CA345238538.